The following is an entry in ClinVar:

NM_017547.4(FOXRED1):c.1102-166C>G

Gene: FOXRED1 (FAD dependent oxidoreductase domain containing 1; plus strand). Cytogenetic location: 11q24.2.
Variant type: single nucleotide variant.
Coding change: c.1102-166C>G on transcript NM_017547.4 (MANE Select); 166 bases into the intron before coding-DNA position 1102, C replaced by G.
Molecular consequence: intron variant.
Genome position (GRCh38, 1-based): chr11:126,276,905, C>G. VCF-style: chr11-126276905-C-G. GRCh37 (hg19) VCF-style: chr11-126146800-C-G.
Identifiers: ClinVar variation 678598 (VCV000678598.2), dbSNP rs73017360, ClinGen allele CA230562931.
Genomic context (GRCh38, chr11:126,276,905, plus strand): 5'-CAGCCTGGGCAACAAGAGCAAAACTCCATCTCAAAAAAAAAAAAAAGAAAAAGAATCAGC[C>G]TTTTTTGGGGGGCTGTGTGCTGTGTTAATTGATATTAGAGCCCCCTCCAGATTTGAACTG-3'

ClinVar aggregate classification (germline): Benign. Review status: criteria provided, multiple submitters, no conflicts (2 of 4 stars). 2 submissions from 2 submitters: Benign (2). Last evaluated 2018-06-14.

Allele frequency attached by ClinVar (database versions not stated): gnomAD 0.05196 and 0.05516; TOPMed 0.05793; 1000 Genomes Project 30x 0.08557; 1000 Genomes Project 0.08946.
gnomAD v4.1: 36,731 of 640,312 alleles (5.7%); highest among the groups gnomAD compares: East Asian, 17%; 1,692 homozygotes.

Submissions (2):

GeneDx
Classification: Benign. Last evaluated: 2018-06-14. Review status: criteria provided, single submitter. Criteria: GeneDx Variant Classification (06012015). Collection method: clinical testing. Allele origin: germline. Affected: yes.
Comment: This variant is considered likely benign or benign based on one or more of the following criteria: it is a conservative change, it occurs at a poorly conserved position in the protein, it is predicted to be benign by multiple in silico algorithms, and/or has population frequency not consistent with disease.

Breakthrough Genomics
Classification: Benign. Review status: criteria provided, single submitter. Criteria: ACMG Guidelines, 2015. Collection method: not provided. Allele origin: germline. Inheritance: Autosomal recessive inheritance. Affected: yes.